The following is an entry in ClinVar:

NM_001886.3(CRYBA4):c.325A>G (p.Ile109Val)

Gene: CRYBA4 (crystallin beta A4; plus strand). Cytogenetic location: 22q12.1.
Variant type: single nucleotide variant.
Coding change: c.325A>G on transcript NM_001886.3 (MANE Select); coding-DNA position 325, A replaced by G.
Protein change: p.Ile109Val; replaces isoleucine 109 with valine.
Molecular consequence: missense variant.
Genome position (GRCh38, 1-based): chr22:26,628,312, A>G. VCF-style: chr22-26628312-A-G. GRCh37 (hg19) VCF-style: chr22-27024276-A-G.
Other names: short protein forms I109V.
Identifiers: ClinVar variation 1328690 (VCV001328690.3), dbSNP rs146659565, ClinGen allele CA322872460.

ClinVar aggregate classification (germline): Uncertain significance. Review status: criteria provided, multiple submitters, no conflicts (2 of 4 stars). 2 submissions from 2 submitters: Uncertain significance (2). Last evaluated 2024-10-16.

Conditions:
Inborn genetic diseases. Identifiers: MedGen C0950123, MeSH D030342.

Allele frequency attached by ClinVar (database versions not stated): gnomAD exomes below 0.00001 and 0.00001; gnomAD 0.00003 and 0.00004; TOPMed 0.00003; ESP Exome Variant Server 0.00008.
gnomAD v4.1: 11 of 1,613,848 alleles (0.00068%); highest among the groups gnomAD compares: African/African-American, 0.0094%; no homozygotes.

Submissions (2):

Ambry Genetics
Classification: Uncertain significance for Inborn genetic diseases. Last evaluated: 2024-10-16. Review status: criteria provided, single submitter. Criteria: Ambry Variant Classification Scheme 2023. Collection method: clinical testing. Allele origin: germline.

GeneDx
Classification: Uncertain significance. Last evaluated: 2021-06-18. Review status: criteria provided, single submitter. Criteria: GeneDx Variant Classification Process June 2021. Collection method: clinical testing. Allele origin: germline. Affected: yes.
Comment: In silico analysis supports that this missense variant does not alter protein structure/function; Has not been previously published as pathogenic or benign to our knowledge; This variant is associated with the following publications: (PMID: 27535533)